The following is an entry in ClinVar:

ClinVar aggregate classification (germline): Uncertain significance (1 of 4 stars; one submission).

Conditions:
Autosomal dominant nonsyndromic hearing loss 20. Identifiers: Orphanet 90635, MedGen C1858172, MONDO:0011480, OMIM 604717.

Submission:

Laboratory of Prof. Karen Avraham, Tel Aviv University
Classification: Uncertain significance for Autosomal dominant nonsyndromic hearing loss 20. Last evaluated: 2024-12-15. Review status: criteria provided, single submitter. Criteria: ACMG Guidelines, 2015. Collection method: research. Allele origin: germline. Affected: yes. Observed: 1 variant allele.
Comment: The ACTG1 c.46A>C:p.(Met16Leu) variant is predicted deleterious by most prediction tools and is not found in gnomAD. There are many known dominant pathogenic missense variants in the same region of the gene.

NM_001614.5(ACTG1):c.46A>C (p.Met16Leu)

Genes: ACTG1 (actin gamma 1; minus strand), LOC130061940 (ATAC-STARR-seq lymphoblastoid active region 12964; plus strand). Cytogenetic location: 17q25.3.
Variant type: single nucleotide variant.
Coding change: c.46A>C on transcript NM_001614.5 (MANE Select); coding-DNA position 46, A replaced by C.
Protein change: p.Met16Leu; replaces methionine 16 with leucine.
Molecular consequence: missense variant. On other transcripts: non-coding transcript variant (1).
Genome position (GRCh38, 1-based): chr17:81,512,309, T>G on the plus strand (A>C on the coding strand, the complement: ACTG1 is on the minus strand). VCF-style: chr17-81512309-T-G. GRCh37 (hg19) VCF-style: chr17-79479335-T-G.
Other names: DFNA26; c.46A>C, p.Met16Leu (NM_001199954.3); short protein forms M16L.
Identifiers: ClinVar variation 3393389 (VCV003393389.1).